The following is an entry in ClinVar:

ClinVar aggregate classification (germline): Uncertain significance (1 of 4 stars; one submission).

Conditions:
Cutis laxa, autosomal recessive, type 1B (ARCL1B). Also called: CUTIS LAXA, AUTOSOMAL RECESSIVE, TYPE IB; EFEMP2-Related Cutis Laxa. Identifiers: Orphanet 90349, MedGen C3280798, MONDO:0013754, OMIM 614437. Disease mechanism: loss of function.

Allele frequency attached by ClinVar (database versions not stated): gnomAD exomes below 0.00001; TOPMed below 0.00001; gnomAD 0.00001.
gnomAD v4.1: 3 of 1,613,812 alleles (0.00019%); highest among the groups gnomAD compares: Non-Finnish European, 0.00025%; no homozygotes.

Submission:

Labcorp Genetics (formerly Invitae), Labcorp
Classification: Uncertain significance for Cutis laxa, autosomal recessive, type 1B. Last evaluated: 2022-05-13. Review status: criteria provided, single submitter. Criteria: Invitae Variant Classification Sherloc (09022015). Collection method: clinical testing. Allele origin: germline.
Comment: This sequence change replaces threonine, which is neutral and polar, with serine, which is neutral and polar, at codon 223 of the EFEMP2 protein (p.Thr223Ser). This variant is not present in population databases (gnomAD no frequency). This variant has not been reported in the literature in individuals affected with EFEMP2-related conditions. Algorithms developed to predict the effect of missense changes on protein structure and function are either unavailable or do not agree on the potential impact of this missense change (SIFT: "Deleterious"; PolyPhen-2: "Benign"; Align-GVGD: "Class C55"). In summary, the available evidence is currently insufficient to determine the role of this variant in disease. Therefore, it has been classified as a Variant of Uncertain Significance.

NM_016938.5(EFEMP2):c.667A>T (p.Thr223Ser)

Gene: EFEMP2 (EGF-like fibulin extracellular matrix protein 2; minus strand). Cytogenetic location: 11q13.1.
Variant type: single nucleotide variant.
Coding change: c.667A>T on transcript NM_016938.5 (MANE Select); coding-DNA position 667, A replaced by T.
Protein change: p.Thr223Ser; replaces threonine 223 with serine.
Molecular consequence: missense variant. On other transcripts: non-coding transcript variant (1).
Genome position (GRCh38, 1-based): chr11:65,869,917, T>A on the plus strand (A>T on the coding strand, the complement: EFEMP2 is on the minus strand). VCF-style: chr11-65869917-T-A. GRCh37 (hg19) VCF-style: chr11-65637388-T-A.
Other names: short protein forms T223S.
Identifiers: ClinVar variation 2155264 (VCV002155264.1), dbSNP rs1413323795, ClinGen allele CA381359147.